The following is an entry in ClinVar:

NM_014516.4(CNOT3):c.311G>A (p.Ser104Asn)

Gene: CNOT3 (CCR4-NOT transcription complex subunit 3; plus strand). Cytogenetic location: 19q13.42.
Variant type: single nucleotide variant.
Coding change: c.311G>A on transcript NM_014516.4 (MANE Select); coding-DNA position 311, G replaced by A.
Protein change: p.Ser104Asn; replaces serine 104 with asparagine.
Molecular consequence: missense variant.
Genome position (GRCh38, 1-based): chr19:54,144,058, G>A. VCF-style: chr19-54144058-G-A. GRCh37 (hg19) VCF-style: chr19-54647794-G-A.
Other names: short protein forms S104N.
Identifiers: ClinVar variation 2020778 (VCV002020778.6), dbSNP rs2517346791, ClinGen allele CA407759384.

ClinVar aggregate classification (germline): Conflicting classifications of pathogenicity. Review status: criteria provided, conflicting classifications (1 of 4 stars). 3 submissions from 3 submitters: Likely pathogenic (1); Uncertain significance (2). Last evaluated 2023-08-13.

Conditions:
Intellectual developmental disorder with speech delay, autism, and dysmorphic facies. Identifiers: MedGen C5231456, MONDO:0032864, OMIM 618672.

Submissions (3):

Cytogenetique et Genetique Moleculaire, CHU Besancon
Classification: Likely pathogenic for Intellectual developmental disorder with speech delay, autism, and dysmorphic facies. Last evaluated: 2023-08-13. Review status: criteria provided, single submitter. Criteria: ACMG Guidelines, 2015. Collection method: clinical testing. Allele origin: germline. Affected: yes.
Comment: The NM_014516.4: c.311G>A variant is a missense variant in CNOT3 for which computational prediction tools unanimously support a deleterious effect on the gene (PP3). CNOT3 is a gene with low rate of benign missense mutations and for which missense mutation is a common mechanism of a disease (Missense Z-score =3,78) (PP2). This variant is not present in gnomAD (PM2; v4.1.0). In summary, this variant meets criteria to be classified as likely pathogenic for CNOT3-related neurodevelopmental disorders based on the ACMG/AMP criteria applied (PM2 PM6 PP2 PP3).

Labcorp Genetics (formerly Invitae), Labcorp
Classification: Uncertain significance. Last evaluated: 2022-09-14. Review status: criteria provided, single submitter. Criteria: Invitae Variant Classification Sherloc (09022015). Collection method: clinical testing. Allele origin: germline.
Comment: In summary, the available evidence is currently insufficient to determine the role of this variant in disease. Therefore, it has been classified as a Variant of Uncertain Significance. Algorithms developed to predict the effect of missense changes on protein structure and function are either unavailable or do not agree on the potential impact of this missense change (SIFT: "Deleterious"; PolyPhen-2: "Probably Damaging"; Align-GVGD: "Class C0"). This variant has not been reported in the literature in individuals affected with CNOT3-related conditions. This variant is not present in population databases (gnomAD no frequency). This sequence change replaces serine, which is neutral and polar, with asparagine, which is neutral and polar, at codon 104 of the CNOT3 protein (p.Ser104Asn).

3billion
Classification: Uncertain significance for Intellectual developmental disorder with speech delay, autism, and dysmorphic facies. Review status: criteria provided, single submitter. Criteria: ACMG Guidelines, 2015. Collection method: clinical testing. Allele origin: unknown. Affected: yes. Observed: 1 heterozygote.
Comment: The variant is not observed in the gnomAD v2.1.1 dataset. Missense changes are a common disease-causing mechanism. In silico tool predictions suggest damaging effect of the variant on gene or gene product (REVEL: 0.65; 3Cnet: 0.39). Therefore, this variant is classified as Uncertain significance according to the recommendation of ACMG/AMP guideline.